The following is an entry in ClinVar:

NM_002804.5(PSMC3):c.113C>T (p.Thr38Met)

Gene: PSMC3 (proteasome 26S subunit, ATPase 3; minus strand). Cytogenetic location: 11p11.2.
Variant type: single nucleotide variant.
Coding change: c.113C>T on transcript NM_002804.5 (MANE Select); coding-DNA position 113, C replaced by T.
Protein change: p.Thr38Met; replaces threonine 38 with methionine.
Molecular consequence: missense variant.
Genome position (GRCh38, 1-based): chr11:47,425,913, G>A on the plus strand (C>T on the coding strand, the complement: PSMC3 is on the minus strand). VCF-style: chr11-47425913-G-A. GRCh37 (hg19) VCF-style: chr11-47447464-G-A.
Other names: short protein forms T38M.
Identifiers: ClinVar variation 3341016 (VCV003341016.1).

ClinVar aggregate classification (germline): Uncertain significance (1 of 4 stars; one submission).

Submission:

GeneDx
Classification: Uncertain significance. Last evaluated: 2024-03-12. Review status: criteria provided, single submitter. Criteria: GeneDx Variant Classification Process June 2021. Collection method: clinical testing. Allele origin: germline. Affected: yes.
Comment: Not observed at significant frequency in large population cohorts (gnomAD); In silico analysis supports that this missense variant has a deleterious effect on protein structure/function; Has not been previously published as pathogenic or benign to our knowledge